The following is an entry in ClinVar:

NM_001134831.2(AHI1):c.1131A>G (p.Gln377=)

Gene: AHI1 (Abelson helper integration site 1; minus strand). Cytogenetic location: 6q23.3.
Variant type: single nucleotide variant.
Coding change: c.1131A>G on transcript NM_001134831.2 (MANE Select); coding-DNA position 1131, A replaced by G.
Protein change: p.Gln377=; no amino-acid change (glutamine 377 retained).
Molecular consequence: synonymous variant.
Genome position (GRCh38, 1-based): chr6:135,457,514, T>C on the plus strand (A>G on the coding strand, the complement: AHI1 is on the minus strand). VCF-style: chr6-135457514-T-C. GRCh37 (hg19) VCF-style: chr6-135778652-T-C.
Other names: c.1131A>G, p.Gln377= (NM_001134830.2, NM_001134832.2, NM_001350503.2 and 2 more transcripts).
Identifiers: ClinVar variation 1079543 (VCV001079543.13), dbSNP rs142518256, ClinGen allele CA4012667.

ClinVar aggregate classification (germline): Conflicting classifications of pathogenicity. Review status: criteria provided, conflicting classifications (1 of 4 stars). 4 submissions from 4 submitters: Uncertain significance (3); Likely benign (1). Last evaluated 2026-02-27.

Conditions:
Joubert syndrome 3 (JBTS3). Also called: AHI1-related Ciliopathy. Identifiers: Orphanet 220493, MedGen C1837713, MONDO:0012078, OMIM 608629.
AHI1-related disorder. Also called: AHI1-related condition.
Joubert syndrome. Also called: JOUBERT-BOLTSHAUSER SYNDROME; Familial aplasia of the vermis. Identifiers: Orphanet 475, MedGen C5979921, MONDO:0018772.

Allele frequency attached by ClinVar (database versions not stated): gnomAD exomes 0.00001 and 0.00006; gnomAD 0.00006 and 0.00007; TOPMed 0.00008; ExAC 0.00009; 1000 Genomes Project 0.00060; 1000 Genomes Project 30x 0.00062.
gnomAD v4.1: 24 of 1,613,292 alleles (0.0015%); highest among the groups gnomAD compares: East Asian, 0.025%; no homozygotes.

Submissions (4):

PreventionGenetics, part of Exact Sciences
Classification: Uncertain significance for AHI1-related condition. Last evaluated: 2026-02-27. Review status: criteria provided, single submitter. Criteria: ACMG Guidelines, 2015. Collection method: clinical testing. Allele origin: germline.
Comment: The AHI1 c.1131A>G variant is not predicted to result in an amino acid change (p.=). This variant is predicted to impact splicing by one available splicing algorithm (SpliceAI, Jaganathan et al. 2019. PubMed ID: 30661751). To our knowledge, this variant has not been reported in the literature. However, this variant is reported in 0.072% of alleles in individuals of East Asian descent in gnomAD, which may be too frequent to be a primary cause of disease. Although we suspect that this variant may be benign, the clinical significance of this variant is currently classified as uncertain due to the absence of conclusive functional and genetic evidence.

Labcorp Genetics (formerly Invitae), Labcorp
Classification: Likely benign for Joubert syndrome. Last evaluated: 2026-01-23. Review status: criteria provided, single submitter. Criteria: Invitae Variant Classification Sherloc (09022015). Collection method: clinical testing. Allele origin: germline.

Fulgent Genetics
Classification: Uncertain significance for Joubert syndrome 3. Last evaluated: 2024-04-22. Review status: criteria provided, single submitter. Criteria: ACMG Guidelines, 2015. Collection method: clinical testing. Allele origin: germline.

GeneDx
Classification: Uncertain significance. Last evaluated: 2020-02-06. Review status: criteria provided, single submitter. Criteria: GeneDx Variant Classification Process June 2021. Collection method: clinical testing. Allele origin: germline. Affected: yes.
Comment: Has not been previously published as pathogenic or benign to our knowledge; In silico analysis, which includes splice predictors and evolutionary conservation, suggests this variant may impact gene splicing. In the absence of RNA/functional studies, the actual effect of this sequence change is unknown.